The following is an entry in ClinVar:

ClinVar aggregate classification (germline): Likely benign. Review status: criteria provided, multiple submitters, no conflicts (2 of 4 stars). 2 submissions from 2 submitters: Likely benign (2). Last evaluated 2024-03-01.

Allele frequency attached by ClinVar (database versions not stated): gnomAD 0.00001; ExAC 0.00002; gnomAD exomes 0.00002; TOPMed 0.00002.
gnomAD v4.1: 35 of 1,613,974 alleles (0.0022%); highest among the groups gnomAD compares: Admixed American, 0.015%; no homozygotes.

Submissions (2):

Labcorp Genetics (formerly Invitae), Labcorp
Classification: Likely benign. Last evaluated: 2024-03-01. Review status: criteria provided, single submitter. Criteria: Invitae Variant Classification Sherloc (09022015). Collection method: clinical testing. Allele origin: germline.

CeGaT Center for Human Genetics Tuebingen
Classification: Likely benign. Last evaluated: 2022-05-01. Review status: criteria provided, single submitter. Criteria: CeGaT Center For Human Genetics Tuebingen Variant Classification Criteria Version 2. Collection method: clinical testing. Allele origin: germline. Affected: yes. Observed: 1 variant allele.
Comment: ROR1: BP4, BP7

NM_005012.4(ROR1):c.2376G>A (p.Pro792=)

Gene: ROR1 (ROR family WNT receptor 1; plus strand). Cytogenetic location: 1p31.3.
Variant type: single nucleotide variant.
Coding change: c.2376G>A on transcript NM_005012.4 (MANE Select); coding-DNA position 2376, G replaced by A.
Protein change: p.Pro792=; no amino-acid change (proline 792 retained).
Molecular consequence: synonymous variant.
Genome position (GRCh38, 1-based): chr1:64,178,417, G>A. VCF-style: chr1-64178417-G-A. GRCh37 (hg19) VCF-style: chr1-64644100-G-A.
Identifiers: ClinVar variation 2638869 (VCV002638869.27), dbSNP rs756469964, ClinGen allele CA890409.